The following is an entry in ClinVar:

ClinVar aggregate classification (germline): Uncertain significance (1 of 4 stars; one submission).

Conditions:
Early-infantile DEE. Also called: Early infantile epileptic encephalopathy with suppression bursts; Early infantile epileptic encephalopathy; Ohtahara syndrome. Identifiers: Orphanet 1934, MedGen C0393706, MONDO:0800491.

Submission:

Labcorp Genetics (formerly Invitae), Labcorp
Classification: Uncertain significance for Early-infantile DEE. Last evaluated: 2021-06-22. Review status: criteria provided, single submitter. Criteria: Invitae Variant Classification Sherloc (09022015). Collection method: clinical testing. Allele origin: germline.
Comment: This sequence change replaces phenylalanine with cysteine at codon 141 of the HCN1 protein (p.Phe141Cys). The phenylalanine residue is highly conserved and there is a large physicochemical difference between phenylalanine and cysteine. This variant is not present in population databases (ExAC no frequency). This variant has not been reported in the literature in individuals with HCN1-related conditions. Algorithms developed to predict the effect of missense changes on protein structure and function are either unavailable or do not agree on the potential impact of this missense change (SIFT: "Deleterious"; PolyPhen-2: "Possibly Damaging"; Align-GVGD: "Class C0"). In summary, the available evidence is currently insufficient to determine the role of this variant in disease. Therefore, it has been classified as a Variant of Uncertain Significance.

NM_021072.4(HCN1):c.422T>G (p.Phe141Cys)

Gene: HCN1 (hyperpolarization activated cyclic nucleotide gated potassium channel 1; minus strand). Cytogenetic location: 5p12.
Variant type: single nucleotide variant.
Coding change: c.422T>G on transcript NM_021072.4 (MANE Select); coding-DNA position 422, T replaced by G.
Protein change: p.Phe141Cys; replaces phenylalanine 141 with cysteine.
Molecular consequence: missense variant.
Genome position (GRCh38, 1-based): chr5:45,695,672, A>C on the plus strand (T>G on the coding strand, the complement: HCN1 is on the minus strand). VCF-style: chr5-45695672-A-C. GRCh37 (hg19) VCF-style: chr5-45695774-A-C.
Other names: short protein forms F141C.
Identifiers: ClinVar variation 1447154 (VCV001447154.9), dbSNP rs2112108772, ClinGen allele CA359706036.